The following is an entry in ClinVar:

NM_015141.4(GPD1L):c.67del (p.Lys22_Ile23insTer)

Gene: GPD1L (glycerol-3-phosphate dehydrogenase 1 like; plus strand). Cytogenetic location: 3p22.3.
Variant type: Deletion.
Coding change: c.67del on transcript NM_015141.4 (MANE Select); coding-DNA position 67, one base deleted (A; older notation c.67delA).
Protein change: p.Lys22_Ile23insTer.
Molecular consequence: nonsense.
Genome position (GRCh38, 1-based): chr3:32,128,095, A deleted; the last of 5 consecutive A bases (chr3:32,128,091-32,128,095); deleting any one gives the same sequence. VCF-style (leftmost placement, unchanged base first): chr3-32128090-CA-C. GRCh37 (hg19) VCF-style: chr3-32169582-CA-C.
Identifiers: ClinVar variation 4735754 (VCV004735754.1).

ClinVar aggregate classification (germline): Uncertain significance (1 of 4 stars; one submission).

Conditions:
Brugada syndrome. Also called: Sudden Unexplained Death Syndrome; Sudden Unexplained Nocturnal Death Syndrome (SUNDS); Sudden unexplained nocturnal death syndrome; Sudden unexpected nocturnal death syndrome. Identifiers: Orphanet 130, MedGen C1142166, MONDO:0015263.

Submission:

Labcorp Genetics (formerly Invitae), Labcorp
Classification: Uncertain significance for Brugada syndrome. Last evaluated: 2026-01-19. Review status: criteria provided, single submitter. Criteria: Invitae Variant Classification Sherloc (09022015). Collection method: clinical testing. Allele origin: germline.
Comment: This sequence change creates a premature translational stop signal (p.Ile23*) in the GPD1L gene. It is expected to result in an absent or disrupted protein product. However, the current clinical and genetic evidence is not sufficient to establish whether loss-of-function variants in GPD1L cause disease. This variant is not present in population databases (gnomAD no frequency). This variant has not been reported in the literature in individuals affected with GPD1L-related conditions. In summary, the available evidence is currently insufficient to determine the role of this variant in disease. Therefore, it has been classified as a Variant of Uncertain Significance.